The following is an entry in ClinVar:

NM_000512.5(GALNS):c.566+134G>A

Gene: GALNS (galactosamine (N-acetyl)-6-sulfatase; minus strand). Cytogenetic location: 16q24.3.
Variant type: single nucleotide variant.
Coding change: c.566+134G>A on transcript NM_000512.5 (MANE Select); 134 bases into the intron after coding-DNA position 566, G replaced by A.
Molecular consequence: intron variant.
Genome position (GRCh38, 1-based): chr16:88,837,488, C>T on the plus strand (G>A on the coding strand, the complement: GALNS is on the minus strand). VCF-style: chr16-88837488-C-T. GRCh37 (hg19) VCF-style: chr16-88903896-C-T.
Other names: c.11+134G>A (NM_001323543.2); c.584+134G>A (NM_001323544.2).
Identifiers: ClinVar variation 672056 (VCV000672056.1), dbSNP rs3784883, ClinGen allele CA14273557.

ClinVar aggregate classification (germline): Benign (1 of 4 stars; one submission).

Allele frequency attached by ClinVar (database versions not stated): gnomAD 0.25805 and 0.26244; TOPMed 0.26522; 1000 Genomes Project 30x 0.32199; 1000 Genomes Project 0.32867.
gnomAD v4.1: 235,164 of 884,354 alleles (27%); highest among the groups gnomAD compares: East Asian, 57%; 33,561 homozygotes.

Submission:

GeneDx
Classification: Benign. Last evaluated: 2018-06-19. Review status: criteria provided, single submitter. Criteria: GeneDx Variant Classification (06012015). Collection method: clinical testing. Allele origin: germline. Affected: yes.
Comment: This variant is considered likely benign or benign based on one or more of the following criteria: it is a conservative change, it occurs at a poorly conserved position in the protein, it is predicted to be benign by multiple in silico algorithms, and/or has population frequency not consistent with disease.